The following is an entry in ClinVar:

ClinVar aggregate classification (germline): Benign. Review status: criteria provided, multiple submitters, no conflicts (2 of 4 stars). 2 submissions from 2 submitters: Benign (2). Last evaluated 2018-06-14.

Allele frequency attached by ClinVar (database versions not stated): gnomAD exomes 0.24783; gnomAD 0.27914 and 0.27982; TOPMed 0.28967; 1000 Genomes Project 0.29812; 1000 Genomes Project 30x 0.30184.
gnomAD v4.1: 219,024 of 864,962 alleles (25%); highest among the groups gnomAD compares: East Asian, 38%; 29,572 homozygotes.

Submissions (2):

GeneDx
Classification: Benign. Last evaluated: 2018-06-14. Review status: criteria provided, single submitter. Criteria: GeneDx Variant Classification (06012015). Collection method: clinical testing. Allele origin: germline. Affected: yes.
Comment: This variant is considered likely benign or benign based on one or more of the following criteria: it is a conservative change, it occurs at a poorly conserved position in the protein, it is predicted to be benign by multiple in silico algorithms, and/or has population frequency not consistent with disease.

Breakthrough Genomics
Classification: Benign. Review status: criteria provided, single submitter. Criteria: ACMG Guidelines, 2015. Collection method: not provided. Allele origin: germline. Inheritance: Autosomal recessive inheritance. Affected: yes.

NM_012414.4(RAB3GAP2):c.3225+110T>C

Gene: RAB3GAP2 (RAB3 GTPase activating non-catalytic protein subunit 2; minus strand). Cytogenetic location: 1q41.
Variant type: single nucleotide variant.
Coding change: c.3225+110T>C on transcript NM_012414.4 (MANE Select); 110 bases into the intron after coding-DNA position 3225, T replaced by C.
Molecular consequence: intron variant.
Genome position (GRCh38, 1-based): chr1:220,162,088, A>G on the plus strand (T>C on the coding strand, the complement: RAB3GAP2 is on the minus strand). VCF-style: chr1-220162088-A-G. GRCh37 (hg19) VCF-style: chr1-220335430-A-G.
Identifiers: ClinVar variation 668611 (VCV000668611.2), dbSNP rs2164790, ClinGen allele CA37545631.